The following is an entry in ClinVar:

ClinVar aggregate classification (germline): Pathogenic/Likely pathogenic. Review status: criteria provided, multiple submitters, no conflicts (2 of 4 stars). 4 submissions from 4 submitters: Pathogenic (2); Likely pathogenic (2). Last evaluated 2023-04-11.

Conditions:
Pyridoxine-dependent epilepsy (EPEO4). Also called: Pyridoxine-Dependent Epilepsy - ALDH7A1; EPILEPSY, EARLY-ONSET, 4, VITAMIN B6-DEPENDENT; Pyridoxine-Dependent Seizures; PYRIDOXINE DEPENDENCY WITH SEIZURES. Identifiers: Orphanet 3006, MedGen C1849508, MONDO:0009945, OMIM 266100. Disease mechanism: loss of function.

Allele frequency attached by ClinVar (database versions not stated): TOPMed below 0.00001; gnomAD 0.00001.
gnomAD v4.1: 1 of 1,614,058 alleles (0.000062%); highest among the groups gnomAD compares: Non-Finnish European, 0.000085%; no homozygotes.

Submissions (4):

Genome-Nilou Lab
Classification: Likely pathogenic for Pyridoxine-dependent epilepsy. Last evaluated: 2023-04-11. Review status: criteria provided, single submitter. Criteria: ACMG Guidelines, 2015. Collection method: clinical testing. Allele origin: germline. Affected: no.

Labcorp Genetics (formerly Invitae), Labcorp
Classification: Pathogenic for Pyridoxine-dependent epilepsy. Last evaluated: 2022-11-20. Review status: criteria provided, single submitter. Criteria: Invitae Variant Classification Sherloc (09022015). Collection method: clinical testing. Allele origin: germline.
Comment: For these reasons, this variant has been classified as Pathogenic. Variants that disrupt the consensus splice site are a relatively common cause of aberrant splicing (PMID: 17576681, 9536098). Algorithms developed to predict the effect of sequence changes on RNA splicing suggest that this variant may disrupt the consensus splice site. ClinVar contains an entry for this variant (Variation ID: 419377). Disruption of this splice site has been observed in individual(s) with pyridoxine-dependent epilepsy (PMID: 24789515). In at least one individual the data is consistent with being in trans (on the opposite chromosome) from a pathogenic variant. This variant is not present in population databases (gnomAD no frequency). This sequence change affects a donor splice site in intron 17 of the ALDH7A1 gene. While this variant is not anticipated to result in nonsense mediated decay, it likely alters RNA splicing and results in a disrupted protein product.

Fulgent Genetics
Classification: Likely pathogenic for Pyridoxine-dependent epilepsy. Last evaluated: 2022-03-04. Review status: criteria provided, single submitter. Criteria: ACMG Guidelines, 2015. Collection method: clinical testing. Allele origin: unknown.

GeneDx
Classification: Pathogenic. Last evaluated: 2019-11-04. Review status: criteria provided, single submitter. Criteria: GeneDx Variant Classification Process June 2021. Collection method: clinical testing. Allele origin: germline. Affected: yes.
Comment: Identified in a patient with epileptic encephalopathy who had a second ALDH7A1 pathogenic variant in published literature (Mathis et al., 2016); Canonical splice site variant in a gene for which loss-of-function is a known mechanism of disease.; Not observed in large population cohorts (Lek et al., 2016); This variant is associated with the following publications: (PMID: 24789515, 23683770, 27342130, 30043187)

Literature cited by the submitters: PubMed 17576681 (cited by Labcorp Genetics (formerly Invitae), Labcorp); PubMed 9536098 (cited by Labcorp Genetics (formerly Invitae), Labcorp); PubMed 24789515 (cited by Labcorp Genetics (formerly Invitae), Labcorp).

NM_001182.5(ALDH7A1):c.1565+1G>T

Gene: ALDH7A1 (aldehyde dehydrogenase 7 family member A1; minus strand). Cytogenetic location: 5q23.2.
Variant type: single nucleotide variant.
Coding change: c.1565+1G>T on transcript NM_001182.5 (MANE Select); the canonical splice donor site of the intron after coding-DNA position 1565, G replaced by T.
Molecular consequence: splice donor variant.
Genome position (GRCh38, 1-based): chr5:126,546,323, C>A on the plus strand (G>T on the coding strand, the complement: ALDH7A1 is on the minus strand). VCF-style: chr5-126546323-C-A. GRCh37 (hg19) VCF-style: chr5-125882015-C-A.
Other names: c.1373+1G>T (NM_001202404.2); c.1481+1G>T (NM_001201377.2).
Identifiers: ClinVar variation 419377 (VCV000419377.14), dbSNP rs1064793830, ClinGen allele CA16618098.
Genomic context (GRCh38, chr5:126,546,323, plus strand): 5'-TGTAAAAGCCCATTCCCAAGGGTTTTAAGCCCAAACCTATCTTCCCAAAGCCTTTTCTTA[C>A]CAAGTAGACCTTCTCATGTACTGTTTCCAGGCATCACTGCCAGACTCCCTGCCACCACCA-3'